The following is an entry in ClinVar:

ClinVar aggregate classification (germline): Uncertain significance. Review status: criteria provided, multiple submitters, no conflicts (2 of 4 stars). 2 submissions from 2 submitters: Uncertain significance (2). Last evaluated 2025-08-18.

Conditions:
Inborn genetic diseases. Identifiers: MedGen C0950123, MeSH D030342.
Muscular dystrophy-dystroglycanopathy (congenital with brain and eye anomalies), type a, 11 (MDDGA11). Also called: Congenital muscular dystrophy-dystroglycanopathy with brain and eye anomalies, type A11; Muscular dystrophy-dystroglycanopathy (congenital with brain and eye anomalies, type A, 11; WALKER-WARBURG SYNDROME OR MUSCLE-EYE-BRAIN DISEASE, B3GALNT2-RELATED. Identifiers: Orphanet 588, Orphanet 899, MedGen C3554638, MONDO:0014071, OMIM 615181.

Allele frequency attached by ClinVar (database versions not stated): TOPMed below 0.00001; ExAC 0.00001; gnomAD 0.00001; gnomAD exomes 0.00001.
gnomAD v4.1: 16 of 1,613,766 alleles (0.00099%); highest among the groups gnomAD compares: Non-Finnish European, 0.0014%; no homozygotes.

Submissions (2):

Labcorp Genetics (formerly Invitae), Labcorp
Classification: Uncertain significance for Muscular dystrophy-dystroglycanopathy (congenital with brain and eye anomalies), type a, 11. Last evaluated: 2025-08-18. Review status: criteria provided, single submitter. Criteria: Invitae Variant Classification Sherloc (09022015). Collection method: clinical testing. Allele origin: germline.
Comment: This sequence change replaces isoleucine, which is neutral and non-polar, with methionine, which is neutral and non-polar, at codon 214 of the B3GALNT2 protein (p.Ile214Met). This variant is present in population databases (rs779751169, gnomAD 0.0009%). This variant has not been reported in the literature in individuals affected with B3GALNT2-related conditions. ClinVar contains an entry for this variant (Variation ID: 2390155). Invitae Evidence Modeling of protein sequence and biophysical properties (such as structural, functional, and spatial information, amino acid conservation, physicochemical variation, residue mobility, and thermodynamic stability) indicates that this missense variant is not expected to disrupt B3GALNT2 protein function with a negative predictive value of 80%. In summary, the available evidence is currently insufficient to determine the role of this variant in disease. Therefore, it has been classified as a Variant of Uncertain Significance.

Ambry Genetics
Classification: Uncertain significance for Inborn genetic diseases. Last evaluated: 2022-12-21. Review status: criteria provided, single submitter. Criteria: Ambry Variant Classification Scheme 2023. Collection method: clinical testing. Allele origin: germline.

NM_152490.5(B3GALNT2):c.642C>G (p.Ile214Met)

Gene: B3GALNT2 (beta-1,3-N-acetylgalactosaminyltransferase 2; minus strand). Cytogenetic location: 1q42.3.
Variant type: single nucleotide variant.
Coding change: c.642C>G on transcript NM_152490.5 (MANE Select); coding-DNA position 642, C replaced by G.
Protein change: p.Ile214Met; replaces isoleucine 214 with methionine.
Molecular consequence: missense variant.
Genome position (GRCh38, 1-based): chr1:235,480,063, G>C on the plus strand (C>G on the coding strand, the complement: B3GALNT2 is on the minus strand). VCF-style: chr1-235480063-G-C. GRCh37 (hg19) VCF-style: chr1-235643379-G-C.
Other names: c.765C>G, p.Ile255Met (NM_001277155.3); short protein forms I214M, I255M.
Identifiers: ClinVar variation 2390155 (VCV002390155.3), dbSNP rs779751169, ClinGen allele CA1464860.